The following is an entry in ClinVar:

ClinVar aggregate classification (germline): Uncertain significance (1 of 4 stars; one submission).

gnomAD v4.1: 1 of 1,614,026 alleles (0.000062%); highest among the groups gnomAD compares: East Asian, 0.0022%; no homozygotes.

Submission:

Labcorp Genetics (formerly Invitae), Labcorp
Classification: Uncertain significance. Last evaluated: 2024-06-26. Review status: criteria provided, single submitter. Criteria: Invitae Variant Classification Sherloc (09022015). Collection method: clinical testing. Allele origin: germline.
Comment: This sequence change falls in intron 8 of the NTRK2 gene. It does not directly change the encoded amino acid sequence of the NTRK2 protein. It affects a nucleotide within the consensus splice site. This variant is not present in population databases (gnomAD no frequency). This variant has not been reported in the literature in individuals affected with NTRK2-related conditions. Variants that disrupt the consensus splice site are a relatively common cause of aberrant splicing (PMID: 17576681, 9536098). Algorithms developed to predict the effect of sequence changes on RNA splicing suggest that this variant is not likely to affect RNA splicing. In summary, the available evidence is currently insufficient to determine the role of this variant in disease. Therefore, it has been classified as a Variant of Uncertain Significance.

Literature cited by the submitters: PubMed 17576681; PubMed 9536098.

NM_006180.6(NTRK2):c.583+5T>C

Gene: NTRK2 (neurotrophic receptor tyrosine kinase 2; plus strand). Cytogenetic location: 9q21.33.
Variant type: single nucleotide variant.
Coding change: c.583+5T>C on transcript NM_006180.6 (MANE Select); 5 bases into the intron after coding-DNA position 583, T replaced by C.
Molecular consequence: intron variant.
Genome position (GRCh38, 1-based): chr9:84,710,796, T>C. VCF-style: chr9-84710796-T-C. GRCh37 (hg19) VCF-style: chr9-87325711-T-C.
Other names: c.583+5T>C (NM_001369532.1, NM_001369533.1, NM_001018066.3 and 18 more transcripts); c.115+5T>C (NM_001369536.1, NM_001369535.1, NM_001369550.1 and 2 more transcripts).
Identifiers: ClinVar variation 3631700 (VCV003631700.2).